The following is an entry in ClinVar:

ClinVar aggregate classification (germline): Uncertain significance (1 of 4 stars; one submission).

Allele frequency attached by ClinVar (database versions not stated): TOPMed 0.00001; gnomAD 0.00003.
gnomAD v4.1: 15 of 1,612,544 alleles (0.00093%); highest among the groups gnomAD compares: South Asian, 0.0033%; no homozygotes.

Submission:

Labcorp Genetics (formerly Invitae), Labcorp
Classification: Uncertain significance. Last evaluated: 2025-03-17. Review status: criteria provided, single submitter. Criteria: Invitae Variant Classification Sherloc (09022015). Collection method: clinical testing. Allele origin: germline.
Comment: This sequence change replaces arginine, which is basic and polar, with tryptophan, which is neutral and slightly polar, at codon 1228 of the DOCK6 protein (p.Arg1228Trp). This variant is present in population databases (rs770733247, gnomAD 0.007%). This variant has not been reported in the literature in individuals affected with DOCK6-related conditions. ClinVar contains an entry for this variant (Variation ID: 1985844). Invitae Evidence Modeling of protein sequence and biophysical properties (such as structural, functional, and spatial information, amino acid conservation, physicochemical variation, residue mobility, and thermodynamic stability) indicates that this missense variant is not expected to disrupt DOCK6 protein function with a negative predictive value of 80%. In summary, the available evidence is currently insufficient to determine the role of this variant in disease. Therefore, it has been classified as a Variant of Uncertain Significance.

NM_020812.4(DOCK6):c.3682C>T (p.Arg1228Trp)

Genes: DOCK6 (dedicator of cytokinesis 6; minus strand), DOCK6-AS1 (DOCK6 antisense RNA 1; plus strand). Cytogenetic location: 19p13.2.
Variant type: single nucleotide variant.
Coding change: c.3682C>T on transcript NM_020812.4 (MANE Select); coding-DNA position 3682, C replaced by T.
Protein change: p.Arg1228Trp; replaces arginine 1228 with tryptophan.
Molecular consequence: missense variant.
Genome position (GRCh38, 1-based): chr19:11,217,260, G>A on the plus strand (C>T on the coding strand, the complement: DOCK6 is on the minus strand). VCF-style: chr19-11217260-G-A. GRCh37 (hg19) VCF-style: chr19-11327936-G-A.
Other names: c.3787C>T, p.Arg1263Trp (NM_001367830.1); short protein forms R1228W, R1263W.
Identifiers: ClinVar variation 1985844 (VCV001985844.2), dbSNP rs770733247, ClinGen allele CA9207179.